The following is an entry in ClinVar:

NM_001040142.2(SCN2A):c.4246C>T (p.Leu1416Phe)

Gene: SCN2A (sodium voltage-gated channel alpha subunit 2; plus strand). Cytogenetic location: 2q24.3.
Variant type: single nucleotide variant.
Coding change: c.4246C>T on transcript NM_001040142.2 (MANE Select); coding-DNA position 4246, C replaced by T.
Protein change: p.Leu1416Phe; replaces leucine 1416 with phenylalanine.
Molecular consequence: missense variant.
Genome position (GRCh38, 1-based): chr2:165,374,958, C>T. VCF-style: chr2-165374958-C-T. GRCh37 (hg19) VCF-style: chr2-166231468-C-T.
Other names: c.4246C>T, p.Leu1416Phe (NM_001040143.2, NM_001371246.1, NM_001371247.1 and 1 more transcripts); short protein forms L1416F.
Identifiers: ClinVar variation 570358 (VCV000570358.10), dbSNP rs1559399522, ClinGen allele CA349031776.

ClinVar aggregate classification (germline): Uncertain significance. Review status: criteria provided, multiple submitters, no conflicts (2 of 4 stars). 2 submissions from 2 submitters: Uncertain significance (2). Last evaluated 2018-10-31.

Conditions:
Seizures, benign familial infantile, 3 (BFIS3). Also called: Familial neonatal seizures; CONVULSIONS, BENIGN FAMILIAL INFANTILE, 3. Identifiers: Orphanet 140927, Orphanet 306, MedGen C1843140, MONDO:0011904, OMIM 607745.
Developmental and epileptic encephalopathy, 11 (DEE11). Also called: Early infantile epileptic encephalopathy 11. Identifiers: Orphanet 1934, MedGen C3150987, MONDO:0013388, OMIM 613721.

Submissions (2):

Fulgent Genetics
Classification: Uncertain significance for Seizures, benign familial infantile, 3; Developmental and epileptic encephalopathy, 11. Last evaluated: 2018-10-31. Review status: criteria provided, single submitter. Criteria: ACMG Guidelines, 2015. Collection method: clinical testing. Allele origin: unknown.

Labcorp Genetics (formerly Invitae), Labcorp
Classification: Uncertain significance for Seizures, benign familial infantile, 3; Developmental and epileptic encephalopathy, 11. Last evaluated: 2018-05-29. Review status: criteria provided, single submitter. Criteria: Invitae Variant Classification Sherloc (09022015). Collection method: clinical testing. Allele origin: germline.
Comment: This sequence change replaces leucine with phenylalanine at codon 1416 of the SCN2A protein (p.Leu1416Phe). The leucine residue is highly conserved and there is a small physicochemical difference between leucine and phenylalanine. This variant is not present in population databases (ExAC no frequency). This variant has not been reported in the literature in individuals with SCN2A-related disease. Algorithms developed to predict the effect of missense changes on protein structure and function are either unavailable or do not agree on the potential impact of this missense change (SIFT: "Deleterious"; PolyPhen-2: "Probably Damaging"; Align-GVGD: "Class C0"). In summary, the available evidence is currently insufficient to determine the role of this variant in disease. Therefore, it has been classified as a Variant of Uncertain Significance.